The following is an entry in ClinVar:

ClinVar aggregate classification (germline): Benign. Review status: criteria provided, multiple submitters, no conflicts (2 of 4 stars). 3 submissions from 3 submitters: Benign (2). 1 of the submissions does not count toward it. Last evaluated 2025-12-26.

Conditions:
DIP2C-related disorder. Also called: DIP2C-related condition.

Allele frequency attached by ClinVar (database versions not stated): ESP Exome Variant Server 0.00215; 1000 Genomes Project 0.00220; gnomAD 0.00220 and 0.00206; TOPMed 0.00233; 1000 Genomes Project 30x 0.00297; gnomAD exomes 0.00022 and 0.00057; ExAC 0.00065.
gnomAD v4.1: 638 of 1,614,132 alleles (0.04%); highest among the groups gnomAD compares: African/African-American, 0.71%; no homozygotes.

Submissions (3):

Labcorp Genetics (formerly Invitae), Labcorp
Classification: Benign. Last evaluated: 2025-12-26. Review status: criteria provided, single submitter. Criteria: Invitae Variant Classification Sherloc (09022015). Collection method: clinical testing. Allele origin: germline.

Breakthrough Genomics
Classification: Benign. Review status: criteria provided, single submitter. Criteria: ACMG Guidelines, 2015. Collection method: not provided. Allele origin: germline. Inheritance: Unknown mechanism. Affected: yes.

PreventionGenetics, part of Exact Sciences
Classification: Benign for DIP2C-related condition. Last evaluated: 2019-06-24. Review status: no assertion criteria provided. Collection method: clinical testing. Allele origin: germline. Not counted in ClinVar's aggregate classification.
Comment: This variant is classified as benign based on ACMG/AMP sequence variant interpretation guidelines (Richards et al. 2015 PMID: 25741868, with internal and published modifications).

NM_014974.3(DIP2C):c.4569C>T (p.Gly1523=)

Gene: DIP2C (DIP2 acetate--CoA ligase C (putative); minus strand). Cytogenetic location: 10p15.3.
Variant type: single nucleotide variant.
Coding change: c.4569C>T on transcript NM_014974.3 (MANE Select); coding-DNA position 4569, C replaced by T.
Protein change: p.Gly1523=; no amino-acid change (glycine 1523 retained).
Molecular consequence: synonymous variant.
Genome position (GRCh38, 1-based): chr10:277,427, G>A on the plus strand (C>T on the coding strand, the complement: DIP2C is on the minus strand). VCF-style: chr10-277427-G-A. GRCh37 (hg19) VCF-style: chr10-323367-G-A.
Other names: c.4569C>T (NM_014974.2).
Identifiers: ClinVar variation 1645706 (VCV001645706.11), dbSNP rs140375826, ClinGen allele CA5379382.